The following is an entry in ClinVar:

ClinVar aggregate classification (germline): Uncertain significance (1 of 4 stars; one submission).

Conditions:
Aortic aneurysm, familial thoracic 4 (AAT4). Also called: AORTIC ANEURYSM/AORTIC DISSECTION AND PATENT DUCTUS ARTERIOSUS. Identifiers: MedGen C1851504, MONDO:0007568, OMIM 132900.

Submission:

Labcorp Genetics (formerly Invitae), Labcorp
Classification: Uncertain significance for Aortic aneurysm, familial thoracic 4. Last evaluated: 2024-10-22. Review status: criteria provided, single submitter. Criteria: Invitae Variant Classification Sherloc (09022015). Collection method: clinical testing. Allele origin: germline.
Comment: This sequence change falls in intron 11 of the MYH11 gene. It does not directly change the encoded amino acid sequence of the MYH11 protein. It affects a nucleotide within the consensus splice site. This variant is not present in population databases (gnomAD no frequency). This variant has not been reported in the literature in individuals affected with MYH11-related conditions. Variants that disrupt the consensus splice site are a relatively common cause of aberrant splicing (PMID: 17576681, 9536098). Algorithms developed to predict the effect of sequence changes on RNA splicing suggest that this variant is not likely to affect RNA splicing. In summary, the available evidence is currently insufficient to determine the role of this variant in disease. Therefore, it has been classified as a Variant of Uncertain Significance.

Literature cited by the submitters: PubMed 17576681; PubMed 9536098.

NM_002474.3(MYH11):c.1129+6T>G

Gene: MYH11 (myosin heavy chain 11; minus strand). Cytogenetic location: 16p13.11.
Variant type: single nucleotide variant.
Coding change: c.1129+6T>G on transcript NM_002474.3 (MANE Select); 6 bases into the intron after coding-DNA position 1129, T replaced by G.
Molecular consequence: intron variant.
Genome position (GRCh38, 1-based): chr16:15,763,790, A>C on the plus strand (T>G on the coding strand, the complement: MYH11 is on the minus strand). VCF-style: chr16-15763790-A-C. GRCh37 (hg19) VCF-style: chr16-15857647-A-C.
Other names: c.1129+6T>G (NM_022844.3); c.1150+6T>G (NM_001040114.2, NM_001040113.2).
Identifiers: ClinVar variation 3723203 (VCV003723203.2).
Genomic context (GRCh38, chr16:15,763,790, plus strand): 5'-TAAATGTCACCTCCCCCACCCCCCCAACCCCAAAGTCATTGGTCATCAGGAAAAAGTGGC[A>C]AGTACCTGTGTTATCTGGCATGGACGCCTGGTCTGTGTTTCTTTCCTTCTTGAAGACGAT-3'